The following is an entry in ClinVar:

NM_004621.6(TRPC6):c.830A>G (p.Tyr277Cys)

Gene: TRPC6 (transient receptor potential cation channel subfamily C member 6; minus strand). Cytogenetic location: 11q22.1.
Variant type: single nucleotide variant.
Coding change: c.830A>G on transcript NM_004621.6 (MANE Select); coding-DNA position 830, A replaced by G.
Protein change: p.Tyr277Cys; replaces tyrosine 277 with cysteine.
Molecular consequence: missense variant.
Genome position (GRCh38, 1-based): chr11:101,504,139, T>C on the plus strand (A>G on the coding strand, the complement: TRPC6 is on the minus strand). VCF-style: chr11-101504139-T-C. GRCh37 (hg19) VCF-style: chr11-101374870-T-C.
Other names: short protein forms Y277C.
Identifiers: ClinVar variation 591082 (VCV000591082.4), dbSNP rs534941786, ClinGen allele CA382448676.

ClinVar aggregate classification (germline): Uncertain significance. Review status: criteria provided, single submitter (1 of 4 stars). 2 submissions from 2 submitters: Uncertain significance (1). 1 of the submissions does not count toward it. Last evaluated 2023-11-07.

Allele frequency attached by ClinVar (database versions not stated): gnomAD 0.00001; TOPMed 0.00002.
gnomAD v4.1: 4 of 1,614,044 alleles (0.00025%); highest among the groups gnomAD compares: African/African-American, 0.0027%; no homozygotes.

Submissions (2):

Labcorp Genetics (formerly Invitae), Labcorp
Classification: Uncertain significance. Last evaluated: 2023-11-07. Review status: criteria provided, single submitter. Criteria: Invitae Variant Classification Sherloc (09022015). Collection method: clinical testing. Allele origin: germline.
Comment: This sequence change replaces tyrosine, which is neutral and polar, with cysteine, which is neutral and slightly polar, at codon 277 of the TRPC6 protein (p.Tyr277Cys). This variant is not present in population databases (gnomAD no frequency). This variant has not been reported in the literature in individuals affected with TRPC6-related conditions. ClinVar contains an entry for this variant (Variation ID: 591082). Advanced modeling of protein sequence and biophysical properties (such as structural, functional, and spatial information, amino acid conservation, physicochemical variation, residue mobility, and thermodynamic stability) performed at Invitae indicates that this missense variant is expected to disrupt TRPC6 protein function with a positive predictive value of 80%. In summary, the available evidence is currently insufficient to determine the role of this variant in disease. Therefore, it has been classified as a Variant of Uncertain Significance.

Gharavi Laboratory, Columbia University
Classification: Uncertain significance. Last evaluated: 2018-09-16. Review status: no assertion criteria provided. Criteria: ACMG Guidelines, 2015. Collection method: research. Allele origin: germline. Affected: yes. Not counted in ClinVar's aggregate classification.